The following is an entry in ClinVar:

ClinVar aggregate classification (germline): Uncertain significance (1 of 4 stars; one submission).

Submission:

Labcorp Genetics (formerly Invitae), Labcorp
Classification: Uncertain significance. Last evaluated: 2020-09-11. Review status: criteria provided, single submitter. Criteria: Invitae Variant Classification Sherloc (09022015). Collection method: clinical testing. Allele origin: germline.
Comment: In summary, the available evidence is currently insufficient to determine the role of this variant in disease. Therefore, it has been classified as a Variant of Uncertain Significance. Algorithms developed to predict the effect of missense changes on protein structure and function are either unavailable or do not agree on the potential impact of this missense change (SIFT: "Deleterious"; PolyPhen-2: "Benign"; Align-GVGD: "Class C0"). This variant has not been reported in the literature in individuals with POLE-related conditions. This variant is not present in population databases (ExAC no frequency). This sequence change replaces serine with phenylalanine at codon 2196 of the POLE protein (p.Ser2196Phe). The serine residue is weakly conserved and there is a large physicochemical difference between serine and phenylalanine.

NM_006231.4(POLE):c.6587C>T (p.Ser2196Phe)

Gene: POLE (DNA polymerase epsilon, catalytic subunit; minus strand). Cytogenetic location: 12q24.33.
Variant type: single nucleotide variant.
Coding change: c.6587C>T on transcript NM_006231.4 (MANE Select); coding-DNA position 6587, C replaced by T.
Protein change: p.Ser2196Phe; replaces serine 2196 with phenylalanine.
Molecular consequence: missense variant.
Genome position (GRCh38, 1-based): chr12:132,625,715, G>A on the plus strand (C>T on the coding strand, the complement: POLE is on the minus strand). VCF-style: chr12-132625715-G-A. GRCh37 (hg19) VCF-style: chr12-133202301-G-A.
Other names: short protein forms S2196F.
Identifiers: ClinVar variation 835773 (VCV000835773.10), dbSNP rs1179972134, ClinGen allele CA387366697.